The following is an entry in ClinVar:

ClinVar aggregate classification (germline): Uncertain significance (1 of 4 stars; one submission).

Conditions:
Fabry disease. Also called: ALPHA-GALACTOSIDASE A DEFICIENCY; ANDERSON-FABRY DISEASE; CERAMIDE TRIHEXOSIDASE DEFICIENCY; GLA DEFICIENCY; HEREDITARY DYSTOPIC LIPIDOSIS; Fabry's disease. Identifiers: Orphanet 324, MedGen C0002986, MONDO:0010526, OMIM 301500, HP:0001071. Disease mechanism: loss of function, Fabry disease is due to inactivating mutations in the X-linked GLA gene resulting in deficiency of the enzyme Alpha Galactosidase-A..

Allele frequency attached by ClinVar (database versions not stated): gnomAD exomes below 0.00001.
gnomAD v4.1: 1 of 1,211,381 alleles (0.000083%); highest among the groups gnomAD compares: Non-Finnish European, 0.00011%; no homozygotes.

Submission:

Color Diagnostics, LLC DBA Color Health
Classification: Uncertain significance for Fabry disease. Last evaluated: 2024-03-06. Review status: criteria provided, single submitter. Criteria: ACMG Guidelines, 2015. Collection method: clinical testing. Allele origin: germline.
Comment: This missense variant replaces asparagine with histidine at codon 379 of the GLA protein. Computational prediction suggests that this variant may not impact protein structure and function (internally defined REVEL score threshold <= 0.5, PMID: 27666373). Splice site prediction tools suggest that this variant may not impact RNA splicing. To our knowledge, functional studies have not been performed for this variant. This variant has not been reported in individuals affected with cardiovascular disorders in the literature. This variant has not been identified in the general population by the Genome Aggregation Database (gnomAD). The available evidence is insufficient to determine the role of this variant in disease conclusively. Therefore, this variant is classified as a Variant of Uncertain Significance.

NM_000169.3(GLA):c.1135A>C (p.Asn379His)

Genes: GLA (galactosidase alpha; minus strand), RPL36A-HNRNPH2 (RPL36A-HNRNPH2 readthrough; plus strand). Cytogenetic location: Xq22.1.
Variant type: single nucleotide variant.
Coding change: c.1135A>C on transcript NM_000169.3 (MANE Select); coding-DNA position 1135, A replaced by C.
Protein change: p.Asn379His; replaces asparagine 379 with histidine.
Molecular consequence: missense variant. On other transcripts: non-coding transcript variant (3), intron variant (2).
Genome position (GRCh38, 1-based): chrX:101,397,964, T>G on the plus strand (A>C on the coding strand, the complement: GLA is on the minus strand). VCF-style: chrX-101397964-T-G. GRCh37 (hg19) VCF-style: chrX-100652952-T-G.
Other names: c.1258A>C, p.Asn420His (NM_001406747.1); c.300+2507T>G (NM_001199973.2); c.177+6142T>G (NM_001199974.2); short protein forms N379H, N420H.
Identifiers: ClinVar variation 918966 (VCV000918966.4), dbSNP rs1928125044, ClinGen allele CA413920345.